The following is an entry in ClinVar:

ClinVar aggregate classification (germline): Uncertain significance (1 of 4 stars; one submission).

Conditions:
Inborn genetic diseases. Identifiers: MedGen C0950123, MeSH D030342.

Submission:

Ambry Genetics
Classification: Uncertain significance for Inborn genetic diseases. Last evaluated: 2024-04-20. Review status: criteria provided, single submitter. Criteria: Ambry Variant Classification Scheme 2023. Collection method: clinical testing. Allele origin: germline.
Comment: The p.M1398I variant (also known as c.4194G>A), located in coding exon 23 of the ATR gene, results from a G to A substitution at nucleotide position 4194. The methionine at codon 1398 is replaced by isoleucine, an amino acid with highly similar properties. This amino acid position is conserved. In addition, this alteration is predicted to be tolerated by in silico analysis. Based on the available evidence, the clinical significance of this variant remains unclear.

NM_001184.4(ATR):c.4194G>A (p.Met1398Ile)

Gene: ATR (ATR serine/threonine kinase; minus strand). Cytogenetic location: 3q23.
Variant type: single nucleotide variant.
Coding change: c.4194G>A on transcript NM_001184.4 (MANE Select); coding-DNA position 4194, G replaced by A.
Protein change: p.Met1398Ile; replaces methionine 1398 with isoleucine.
Molecular consequence: missense variant.
Genome position (GRCh38, 1-based): chr3:142,522,800, C>T on the plus strand (G>A on the coding strand, the complement: ATR is on the minus strand). VCF-style: chr3-142522800-C-T. GRCh37 (hg19) VCF-style: chr3-142241642-C-T.
Other names: c.4002G>A, p.Met1334Ile (NM_001354579.2); short protein forms M1334I, M1398I.
Identifiers: ClinVar variation 3331654 (VCV003331654.1).